The following is an entry in ClinVar:

ClinVar aggregate classification (germline): Likely benign. Review status: criteria provided, multiple submitters, no conflicts (2 of 4 stars). 2 submissions from 2 submitters: Likely benign (2). Last evaluated 2026-01-25.

Allele frequency attached by ClinVar (database versions not stated): ExAC 0.00008; gnomAD exomes 0.00008 and 0.00011; TOPMed 0.00013; gnomAD 0.00015 and 0.00017; ESP Exome Variant Server 0.00031; 1000 Genomes Project 0.00060; 1000 Genomes Project 30x 0.00062.
gnomAD v4.1: 147 of 1,614,166 alleles (0.0091%); highest among the groups gnomAD compares: Admixed American, 0.063%; no homozygotes.

Submissions (2):

Labcorp Genetics (formerly Invitae), Labcorp
Classification: Likely benign. Last evaluated: 2026-01-25. Review status: criteria provided, single submitter. Criteria: Invitae Variant Classification Sherloc (09022015). Collection method: clinical testing. Allele origin: germline.

GeneDx
Classification: Likely benign. Last evaluated: 2017-01-26. Review status: criteria provided, single submitter. Criteria: GeneDx Variant Classification (06012015). Collection method: clinical testing. Allele origin: germline. Affected: yes.
Comment: This variant is considered likely benign or benign based on one or more of the following criteria: it is a conservative change, it occurs at a poorly conserved position in the protein, it is predicted to be benign by multiple in silico algorithms, and/or has population frequency not consistent with disease.

NM_145691.4(ATPAF2):c.324+11C>T

Gene: ATPAF2 (ATP synthase mitochondrial F1 complex assembly factor 2; minus strand). Cytogenetic location: 17p11.2.
Variant type: single nucleotide variant.
Coding change: c.324+11C>T on transcript NM_145691.4 (MANE Select); 11 bases into the intron after coding-DNA position 324, C replaced by T.
Molecular consequence: intron variant.
Genome position (GRCh38, 1-based): chr17:18,028,221, G>A on the plus strand (C>T on the coding strand, the complement: ATPAF2 is on the minus strand). VCF-style: chr17-18028221-G-A. GRCh37 (hg19) VCF-style: chr17-17931535-G-A.
Identifiers: ClinVar variation 516679 (VCV000516679.9), dbSNP rs184870290, ClinGen allele CA8421928.